The following is an entry in ClinVar:

NM_001367916.1(MAGT1):c.478G>A (p.Gly160Ser)

Gene: MAGT1 (magnesium transporter 1; minus strand). Cytogenetic location: Xq21.1.
Variant type: single nucleotide variant.
Coding change: c.478G>A on transcript NM_001367916.1 (MANE Select); coding-DNA position 478, G replaced by A.
Protein change: p.Gly160Ser; replaces glycine 160 with serine.
Molecular consequence: missense variant.
Genome position (GRCh38, 1-based): chrX:77,857,410, C>T on the plus strand (G>A on the coding strand, the complement: MAGT1 is on the minus strand). VCF-style: chrX-77857410-C-T. GRCh37 (hg19) VCF-style: chrX-77112907-C-T.
Other names: c.574G>A, p.Gly192Ser (NM_032121.5); short protein forms G160S, G192S.
Identifiers: ClinVar variation 1675099 (VCV001675099.7), dbSNP rs1557216098, ClinGen allele CA413714174.
Genomic context (GRCh38, chrX:77,857,410, plus strand): 5'-AACTTACATTGACATCAGTTCTGTCGGCGATCCACCGGGCAATCTGCTCAGCTGAAAAAC[C>T]CCGCACCTGTAACTCATATGTATCACCCCGTTTGGGTTTCCCTTTTGCAGGAAAGTTGAT-3'
Protein context (NP_001354845.1, residues 150-170): RGDTYELQVR[Gly160Ser]FSAEQIARWI

ClinVar aggregate classification (germline): Uncertain significance. Review status: criteria provided, multiple submitters, no conflicts (2 of 4 stars). 2 submissions from 2 submitters: Uncertain significance (2). Last evaluated 2022-09-23.

Conditions:
X-linked immunodeficiency with magnesium defect, Epstein-Barr virus infection and neoplasia. Identifiers: Orphanet 317476, MedGen C3275445, MONDO:0010455, OMIM 300853.

Allele frequency attached by ClinVar (database versions not stated): gnomAD exomes below 0.00001 and 0.00001.
gnomAD v4.1: 2 of 1,211,725 alleles (0.00017%); highest among the groups gnomAD compares: Non-Finnish European, 0.00022%; no homozygotes.

Submissions (2):

Labcorp Genetics (formerly Invitae), Labcorp
Classification: Uncertain significance for X-linked immunodeficiency with magnesium defect, Epstein-Barr virus infection and neoplasia. Last evaluated: 2022-09-23. Review status: criteria provided, single submitter. Criteria: Invitae Variant Classification Sherloc (09022015). Collection method: clinical testing. Allele origin: germline.
Comment: This sequence change replaces glycine, which is neutral and non-polar, with serine, which is neutral and polar, at codon 192 of the MAGT1 protein (p.Gly192Ser). In summary, the available evidence is currently insufficient to determine the role of this variant in disease. Therefore, it has been classified as a Variant of Uncertain Significance. Advanced modeling of protein sequence and biophysical properties (such as structural, functional, and spatial information, amino acid conservation, physicochemical variation, residue mobility, and thermodynamic stability) has been performed at Invitae for this missense variant, however the output from this modeling did not meet the statistical confidence thresholds required to predict the impact of this variant on MAGT1 protein function. ClinVar contains an entry for this variant (Variation ID: 1675099). This variant has not been reported in the literature in individuals affected with MAGT1-related conditions. This variant is present in population databases (no rsID available, gnomAD 0.001%).

Center for Genomics, Ann and Robert H. Lurie Children's Hospital of Chicago
Classification: Uncertain significance for X-linked immunodeficiency with magnesium defect, Epstein-Barr virus infection and neoplasia. Last evaluated: 2021-12-14. Review status: criteria provided, single submitter. Criteria: ACMG Guidelines, 2015. Collection method: clinical testing. Allele origin: germline.
Comment: MAGT1 NM_032121.5 exon 4 p.Gly192Ser (c.574G>A): This variant has not been reported in the literature and is not present in large control databases. Evolutionary conservation suggests that this variant may impact the protein; computational predictive tools for this variant are unclear. In summary, data on this variant is insufficient for disease classification. Therefore, the clinical significance of this variant is uncertain.